The following is an entry in ClinVar:

NM_000059.4(BRCA2):c.6593A>G (p.Glu2198Gly)

Gene: BRCA2 (BRCA2 DNA repair associated; plus strand). Cytogenetic location: 13q13.1.
Variant type: single nucleotide variant.
Coding change: c.6593A>G on transcript NM_000059.4 (MANE Select); coding-DNA position 6593, A replaced by G.
Protein change: p.Glu2198Gly; replaces glutamic acid 2198 with glycine.
Molecular consequence: missense variant.
Genome position (GRCh38, 1-based): chr13:32,340,948, A>G. VCF-style: chr13-32340948-A-G. GRCh37 (hg19) VCF-style: chr13-32915085-A-G.
Other names: c.6593A>G, p.Glu2198Gly (NM_001406719.1, NM_001406720.1); short protein forms E2198G.
Identifiers: ClinVar variation 1754370 (VCV001754370.4), dbSNP rs769139609, ClinGen allele CA6940969.

ClinVar aggregate classification (germline): Conflicting classifications of pathogenicity. Review status: criteria provided, conflicting classifications (1 of 4 stars). 2 submissions from 2 submitters: Uncertain significance (1); Likely benign (1). Last evaluated 2023-03-23.

Conditions:
Hereditary cancer-predisposing syndrome. Also called: Neoplastic Syndromes, Hereditary; Tumor predisposition; Hereditary Cancer Syndrome; Hereditary neoplastic syndrome. Identifiers: Orphanet 140162, MedGen C0027672, MeSH D009386, MONDO:0015356.

Allele frequency attached by ClinVar (database versions not stated): gnomAD exomes below 0.00001; ExAC 0.00001.
gnomAD v4.1: 1 of 1,609,736 alleles (0.000062%); highest among the groups gnomAD compares: South Asian, 0.0011%; no homozygotes.

Submissions (2):

University of Washington Department of Laboratory Medicine, University of Washington
Classification: Likely benign for Hereditary cancer-predisposing syndrome. Last evaluated: 2023-03-23. Review status: criteria provided, single submitter. Criteria: Dines et al. (Genet Med. 2020). Collection method: curation. Allele origin: germline.
Comment: Missense variant in a coldspot region where missense variants are very unlikely to be pathogenic (PMID:31911673).

BRCA2 exon 11 coldspot. Reclassification based on statistical prior probability.

Ambry Genetics
Classification: Uncertain significance for Hereditary cancer-predisposing syndrome. Last evaluated: 2020-12-08. Review status: criteria provided, single submitter. Criteria: Ambry Variant Classification Scheme 2023. Collection method: clinical testing. Allele origin: germline.
Comment: The p.E2198G variant (also known as c.6593A>G), located in coding exon 10 of the BRCA2 gene, results from an A to G substitution at nucleotide position 6593. The glutamic acid at codon 2198 is replaced by glycine, an amino acid with similar properties. This amino acid position is not well conserved in available vertebrate species. In addition, the in silico prediction for this alteration is inconclusive. Since supporting evidence is limited at this time, the clinical significance of this alteration remains unclear.